The following is an entry in ClinVar:

NM_001194.4(HCN2):c.601G>A (p.Ala201Thr)

Gene: HCN2 (hyperpolarization activated cyclic nucleotide gated potassium and sodium channel 2; plus strand). Cytogenetic location: 19p13.3.
Variant type: single nucleotide variant.
Coding change: c.601G>A on transcript NM_001194.4 (MANE Select); coding-DNA position 601, G replaced by A.
Protein change: p.Ala201Thr; replaces alanine 201 with threonine.
Molecular consequence: missense variant.
Genome position (GRCh38, 1-based): chr19:590,546, G>A. VCF-style: chr19-590546-G-A. GRCh37 (hg19) VCF-style: chr19-590546-G-A.
Other names: short protein forms A201T.
Identifiers: ClinVar variation 3253475 (VCV003253475.1), dbSNP rs1460617990.
Genomic context (GRCh38, chr19:590,546, plus strand): 5'-CGGATGTTCGGCAGCCAGAAGGCCGTGGAGCGCGAGCAGGAGCGCGTCAAGTCGGCGGGG[G>A]CCTGGATCATCCACCCGTACAGCGACTTCAGGTACCGCCTCCGGGAGGGCCGGTCGGCGC-3'
Protein context (NP_001185.3, residues 191-211): REQERVKSAG[Ala201Thr]WIIHPYSDFR

ClinVar aggregate classification (germline): Uncertain significance (1 of 4 stars; one submission).

Submission:

GeneDx
Classification: Uncertain significance. Last evaluated: 2023-09-29. Review status: criteria provided, single submitter. Criteria: GeneDx Variant Classification Process June 2021. Collection method: clinical testing. Allele origin: germline. Affected: yes.
Comment: Not observed at significant frequency in large population cohorts (gnomAD); In silico analysis supports that this missense variant does not alter protein structure/function; Has not been previously published as pathogenic or benign to our knowledge